The following is an entry in ClinVar:

ClinVar aggregate classification (germline): Uncertain significance. Review status: criteria provided, multiple submitters, no conflicts (2 of 4 stars). 6 submissions from 6 submitters: Uncertain significance (6). Last evaluated 2024-11-23.

Conditions:
Fanconi anemia (FA). Also called: Fanconi's anemia. Identifiers: Orphanet 84, MedGen C0015625, MeSH D005199, MONDO:0019391.
Fanconi anemia complementation group I (FANCI). Also called: FANCI-Related Fanconi Anemia. Identifiers: Orphanet 84, MedGen C1836861, MONDO:0012186, OMIM 609053.

Allele frequency attached by ClinVar (database versions not stated): TOPMed 0.00006; ESP Exome Variant Server 0.00008; gnomAD 0.00009 and 0.00010; gnomAD exomes 0.00014; ExAC 0.00018.
gnomAD v4.1: 185 of 1,613,816 alleles (0.011%); highest among the groups gnomAD compares: Non-Finnish European, 0.014%; no homozygotes.

Submissions (6):

GeneDx
Classification: Uncertain significance. Last evaluated: 2024-11-23. Review status: criteria provided, single submitter. Criteria: GeneDx Variant Classification Process June 2021. Collection method: clinical testing. Allele origin: germline. Affected: yes.
Comment: Identified in a patient with asymmetrical limb-girdle weakness, however this proband harbored variants in additional genes that may have contributed to the phenotype (PMID: 29970176); In silico analysis indicates that this missense variant does not alter protein structure/function; This variant is associated with the following publications: (PMID: 29970176)

Blueprint Genetics
Classification: Uncertain significance. Last evaluated: 2024-11-21. Review status: criteria provided, single submitter. Criteria: ACMG Guidelines, 2015. Collection method: clinical testing. Allele origin: germline.

Labcorp Genetics (formerly Invitae), Labcorp
Classification: Uncertain significance for Fanconi anemia. Last evaluated: 2024-10-09. Review status: criteria provided, single submitter. Criteria: Invitae Variant Classification Sherloc (09022015). Collection method: clinical testing. Allele origin: germline.
Comment: This sequence change replaces serine, which is neutral and polar, with glycine, which is neutral and non-polar, at codon 238 of the FANCI protein (p.Ser238Gly). This variant is present in population databases (rs112932178, gnomAD 0.03%). This variant has not been reported in the literature in individuals affected with FANCI-related conditions. ClinVar contains an entry for this variant (Variation ID: 1018446). Invitae Evidence Modeling of protein sequence and biophysical properties (such as structural, functional, and spatial information, amino acid conservation, physicochemical variation, residue mobility, and thermodynamic stability) indicates that this missense variant is not expected to disrupt FANCI protein function with a negative predictive value of 80%. In summary, the available evidence is currently insufficient to determine the role of this variant in disease. Therefore, it has been classified as a Variant of Uncertain Significance.

Fulgent Genetics
Classification: Uncertain significance for Fanconi anemia complementation group I. Last evaluated: 2022-05-07. Review status: criteria provided, single submitter. Criteria: ACMG Guidelines, 2015. Collection method: clinical testing. Allele origin: unknown.

CeGaT Center for Human Genetics Tuebingen
Classification: Uncertain significance. Last evaluated: 2022-01-01. Review status: criteria provided, single submitter. Criteria: CeGaT Center For Human Genetics Tuebingen Variant Classification Criteria Version 2. Collection method: clinical testing. Allele origin: germline. Affected: yes. Observed: 1 variant allele.

Institute for Clinical Genetics, University Hospital TU Dresden, University Hospital TU Dresden
Classification: Uncertain significance. Last evaluated: 2021-11-03. Review status: criteria provided, single submitter. Criteria: ACMG Guidelines, 2015. Collection method: clinical testing. Allele origin: germline.

NM_001113378.2(FANCI):c.712A>G (p.Ser238Gly)

Gene: FANCI (FA complementation group I; plus strand). Cytogenetic location: 15q26.1.
Variant type: single nucleotide variant.
Coding change: c.712A>G on transcript NM_001113378.2 (MANE Select); coding-DNA position 712, A replaced by G.
Protein change: p.Ser238Gly; replaces serine 238 with glycine.
Molecular consequence: missense variant.
Genome position (GRCh38, 1-based): chr15:89,264,564, A>G. VCF-style: chr15-89264564-A-G. GRCh37 (hg19) VCF-style: chr15-89807795-A-G.
Other names: c.433A>G, p.Ser145Gly (NM_001376910.1); c.712A>G, p.Ser238Gly (NM_001376911.1, NM_018193.3); short protein forms S145G, S238G.
Identifiers: ClinVar variation 1018446 (VCV001018446.42), dbSNP rs112932178, ClinGen allele CA7722732.
Genomic context (GRCh38, chr15:89,264,564, plus strand): 5'-ATTTTGTATTGTTTTCAGGGAAGCAGAAAGAGTGTTTTGGAAGGAATCATAGCCTTCTTC[A>G]GTGCACTAGATAAGCAGCACAATGAGGAACAGAGTGGTGACGAGTGAGTAATATAGTGTA-3'
Protein context (NP_001106849.1, residues 228-248): SVLEGIIAFF[Ser238Gly]ALDKQHNEEQ